The following is an entry in ClinVar:

ClinVar aggregate classification (germline): Likely benign (1 of 4 stars; one submission).

Submission:

CeGaT Center for Human Genetics Tuebingen
Classification: Likely benign. Last evaluated: 2022-05-01. Review status: criteria provided, single submitter. Criteria: CeGaT Center For Human Genetics Tuebingen Variant Classification Criteria Version 2. Collection method: clinical testing. Allele origin: germline. Affected: yes. Observed: 1 variant allele.
Comment: NDUFS7: PM2:Supporting, BP4, BP7

NM_024407.5(NDUFS7):c.402T>G (p.Leu134=)

Gene: NDUFS7 (NADH:ubiquinone oxidoreductase core subunit S7; plus strand). Cytogenetic location: 19p13.3.
Variant type: single nucleotide variant.
Coding change: c.402T>G on transcript NM_024407.5 (MANE Select); coding-DNA position 402, T replaced by G.
Protein change: p.Leu134=; no amino-acid change (leucine 134 retained).
Molecular consequence: synonymous variant.
Genome position (GRCh38, 1-based): chr19:1,391,044, T>G. VCF-style: chr19-1391044-T-G. GRCh37 (hg19) VCF-style: chr19-1391043-T-G.
Other names: c.402T>G, p.Leu134= (NM_001363602.2).
Identifiers: ClinVar variation 2648919 (VCV002648919.24), dbSNP rs1252911731, ClinGen allele CA504895190.